The following is an entry in ClinVar:

NM_007294.4(BRCA1):c.3772G>T (p.Glu1258Ter)

Genes: BRCA1 (BRCA1 DNA repair associated; minus strand), LOC126862571 (BRD4-independent group 4 enhancer GRCh37_chr17:41243136-41244335; plus strand). Cytogenetic location: 17q21.31.
Variant type: single nucleotide variant.
Coding change: c.3772G>T on transcript NM_007294.4 (MANE Select); coding-DNA position 3772, G replaced by T.
Protein change: p.Glu1258Ter; replaces glutamic acid 1258 with a stop codon.
Molecular consequence: nonsense. On other transcripts: intron variant (135).
Genome position (GRCh38, 1-based): chr17:43,091,759, C>A on the plus strand (G>T on the coding strand, the complement: BRCA1 is on the minus strand). VCF-style: chr17-43091759-C-A. GRCh37 (hg19) VCF-style: chr17-41243776-C-A.
Other names: c.3559G>T, p.Glu1187Ter (NM_001407571.1, NM_001407853.1, NM_001407894.1 and 9 more transcripts); c.3772G>T, p.Glu1258Ter (NM_001407581.1, NM_001407582.1, NM_001407583.1 and 30 more transcripts); c.3769G>T, p.Glu1257Ter (NM_001407587.1, NM_001407590.1, NM_001407591.1 and 22 more transcripts); c.3763G>T, p.Glu1255Ter (NM_001407646.1, NM_001407647.1); c.3649G>T, p.Glu1217Ter (NM_001407648.1, NM_001407664.1, NM_001407665.1 and 19 more transcripts); c.3646G>T, p.Glu1216Ter (NM_001407649.1, NM_001407670.1, NM_001407671.1 and 11 more transcripts); c.3694G>T, p.Glu1232Ter (NM_001407653.1, NM_001407654.1, NM_001407655.1 and 4 more transcripts); c.3691G>T, p.Glu1231Ter (NM_001407659.1, NM_001407660.1, NM_001407661.1 and 1 more transcripts); and 41 more; short protein forms E1258*, E1211*, E1090*, E1131*, E1216*, E1231*, E390*, E962*.
Identifiers: ClinVar variation 55000 (VCV000055000.16), dbSNP rs397509105, ClinGen allele CA002429.

ClinVar aggregate classification (germline): Pathogenic. Review status: reviewed by expert panel (3 of 4 stars). 5 submissions from 5 submitters: Pathogenic (1). 4 of the submissions do not count toward it. Last evaluated 2017-12-15.

Conditions:
Hereditary cancer-predisposing syndrome. Also called: Hereditary Cancer Syndrome; Hereditary neoplastic syndrome; Neoplastic Syndromes, Hereditary; Tumor predisposition. Identifiers: Orphanet 140162, MedGen C0027672, MeSH D009386, MONDO:0015356.
Familial cancer of breast. Also called: hereditary breast carcinoma; BREAST CANCER, FAMILIAL; Hereditary breast cancer. Identifiers: Orphanet 227535, MedGen C0346153, MONDO:0016419, OMIM 114480. Disease mechanism: loss of function.
Breast-ovarian cancer, familial, susceptibility to, 1 (BROVCA1). Also called: BRCA1 Hereditary Breast and Ovarian Cancer; OVARIAN CANCER, SUSCEPTIBILITY TO. Identifiers: Orphanet 145, MedGen C2676676, MONDO:0011450, OMIM 604370. Disease mechanism: loss of function.
Hereditary breast ovarian cancer syndrome. Also called: BRCA1- and BRCA2-Associated Hereditary Breast and Ovarian Cancer; Hereditary breast and ovarian cancer syndrome; Hereditary breast and ovarian cancer syndrome (HBOC); Breast and ovarian cancer; Hereditary breast and/or ovarian cancer syndrome; Hereditary breast and ovarian cancer. Identifiers: Orphanet 145, MedGen C0677776, MeSH D061325, MONDO:0003582. Disease mechanism: loss of function.

Submissions (5):

Evidence-based Network for the Interpretation of Germline Mutant Alleles (ENIGMA)
Classification: Pathogenic for Breast-ovarian cancer, familial, susceptibility to, 1. Last evaluated: 2017-12-15. Review status: reviewed by expert panel. Criteria: ENIGMA BRCA1/2 Classification Criteria (2017-06-29). Collection method: curation. Allele origin: germline. Study: ENIGMA.
Comment: Variant allele predicted to encode a truncated non-functional protein.

Revvity Omics, Revvity
Classification: Pathogenic. Last evaluated: 2022-02-09. Review status: criteria provided, single submitter. Criteria: ACMG Guidelines, 2015. Collection method: clinical testing. Allele origin: germline. Not counted in ClinVar's aggregate classification.

Labcorp Genetics (formerly Invitae), Labcorp
Classification: Pathogenic for Hereditary breast ovarian cancer syndrome. Last evaluated: 2022-01-21. Review status: criteria provided, single submitter. Criteria: Invitae Variant Classification Sherloc (09022015). Collection method: clinical testing. Allele origin: germline. Not counted in ClinVar's aggregate classification.
Comment: This sequence change creates a premature translational stop signal (p.Glu1258*) in the BRCA1 gene. It is expected to result in an absent or disrupted protein product. Loss-of-function variants in BRCA1 are known to be pathogenic (PMID: 20104584). This variant is not present in population databases (gnomAD no frequency). For these reasons, this variant has been classified as Pathogenic. ClinVar contains an entry for this variant (Variation ID: 55000). This variant is also known as c.3891G>T. This premature translational stop signal has been observed in individual(s) with breast cancer (PMID: 16875939).

Ambry Genetics
Classification: Pathogenic for Hereditary cancer-predisposing syndrome. Last evaluated: 2019-03-09. Review status: criteria provided, single submitter. Criteria: Ambry Variant Classification Scheme 2023. Collection method: clinical testing. Allele origin: germline. Not counted in ClinVar's aggregate classification.
Comment: The p.E1258* pathogenic mutation (also known as c.3772G>T), located in coding exon 9 of the BRCA1 gene, results from a G to T substitution at nucleotide position 3772. This changes the amino acid from a glutamic acid to a stop codon within coding exon 9. In addition to the clinical data presented in the literature, this alteration is expected to result in loss of function by premature protein truncation or nonsense-mediated mRNA decay. As such, this alteration is interpreted as a disease-causing mutation.

ClinVar Staff, National Center for Biotechnology Information (NCBI)
No classification provided. Condition: Familial cancer of breast. Review status: no classification provided. Collection method: literature only. Allele origin: germline. Affected: yes. Not counted in ClinVar's aggregate classification.

Literature cited by the submitters: PubMed 20104584 (cited by Labcorp Genetics (formerly Invitae), Labcorp); PubMed 16875939 (cited by 3 submitters).